The following is an entry in ClinVar:

ClinVar aggregate classification (germline): Uncertain significance (1 of 4 stars; one submission).

Conditions:
Hepatic methionine adenosyltransferase deficiency. Also called: MAT I/III DEFICIENCY; Methionine adenosyltransferase deficiency; Deficiency of methionine adenosyltransferase; Isolated Persistent Hypermethioninemia. Identifiers: Orphanet 168598, MedGen C0268621, MeSH C564683, MONDO:0009607, OMIM 250850.

Allele frequency attached by ClinVar (database versions not stated): gnomAD exomes below 0.00001.
gnomAD v4.1: 1 of 1,613,750 alleles (0.000062%); highest among the groups gnomAD compares: Admixed American, 0.0017%; no homozygotes.

Submission:

Labcorp Genetics (formerly Invitae), Labcorp
Classification: Uncertain significance for Hepatic methionine adenosyltransferase deficiency. Last evaluated: 2022-02-03. Review status: criteria provided, single submitter. Criteria: Invitae Variant Classification Sherloc (09022015). Collection method: clinical testing. Allele origin: germline.
Comment: Algorithms developed to predict the effect of missense changes on protein structure and function are either unavailable or do not agree on the potential impact of this missense change (SIFT: "Deleterious"; PolyPhen-2: "Benign"; Align-GVGD: "Class C0"). This sequence change replaces lysine, which is basic and polar, with glutamine, which is neutral and polar, at codon 159 of the MAT1A protein (p.Lys159Gln). This variant is present in population databases (no rsID available, gnomAD 0.003%). This variant has not been reported in the literature in individuals affected with MAT1A-related conditions. Algorithms developed to predict the effect of sequence changes on RNA splicing suggest that this variant may create or strengthen a splice site. In summary, the available evidence is currently insufficient to determine the role of this variant in disease. Therefore, it has been classified as a Variant of Uncertain Significance.

NM_000429.3(MAT1A):c.475A>C (p.Lys159Gln)

Gene: MAT1A (methionine adenosyltransferase 1A; minus strand). Cytogenetic location: 10q22.3.
Variant type: single nucleotide variant.
Coding change: c.475A>C on transcript NM_000429.3 (MANE Select); coding-DNA position 475, A replaced by C.
Protein change: p.Lys159Gln; replaces lysine 159 with glutamine.
Molecular consequence: missense variant.
Genome position (GRCh38, 1-based): chr10:80,280,247, T>G on the plus strand (A>C on the coding strand, the complement: MAT1A is on the minus strand). VCF-style: chr10-80280247-T-G. GRCh37 (hg19) VCF-style: chr10-82040003-T-G.
Other names: short protein forms K159Q.
Identifiers: ClinVar variation 2078151 (VCV002078151.4), dbSNP rs1368011064, ClinGen allele CA377362738.